The following is an entry in ClinVar:

NM_001330078.2(NRXN1):c.4169G>A (p.Ser1390Asn)

Gene: NRXN1 (neurexin 1; minus strand). Cytogenetic location: 2p16.3.
Variant type: single nucleotide variant.
Coding change: c.4169G>A on transcript NM_001330078.2 (MANE Select); coding-DNA position 4169, G replaced by A.
Protein change: p.Ser1390Asn; replaces serine 1390 with asparagine.
Molecular consequence: missense variant.
Genome position (GRCh38, 1-based): chr2:49,943,751, C>T on the plus strand (G>A on the coding strand, the complement: NRXN1 is on the minus strand). VCF-style: chr2-49943751-C-T. GRCh37 (hg19) VCF-style: chr2-50170889-C-T.
Other names: c.4289G>A, p.Ser1430Asn (NM_001135659.3); c.74G>A, p.Ser25Asn (NM_001320156.4, NM_001320157.4); c.4145G>A, p.Ser1382Asn (NM_001330077.2, NM_001330082.2); c.4013G>A, p.Ser1338Asn (NM_001330083.2); c.4103G>A, p.Ser1368Asn (NM_001330084.2); c.4142G>A, p.Ser1381Asn (NM_001330085.2); c.4169G>A, p.Ser1390Asn (NM_001330086.2); c.3968G>A, p.Ser1323Asn (NM_001330087.2, NM_001330096.2); and 7 more; short protein forms S1323N, S1333N, S1338N, S1343N, S1360N, S1368N, S1381N, S1382N.
Identifiers: ClinVar variation 3067267 (VCV003067267.21), dbSNP rs1672417902, ClinGen allele CA346818044.

ClinVar aggregate classification (germline): Uncertain significance (1 of 4 stars; one submission).

Allele frequency attached by ClinVar (database versions not stated): TOPMed 0.00001.

Submission:

CeGaT Center for Human Genetics Tuebingen
Classification: Uncertain significance. Last evaluated: 2024-03-01. Review status: criteria provided, single submitter. Criteria: CeGaT Center For Human Genetics Tuebingen Variant Classification Criteria Version 2. Collection method: clinical testing. Allele origin: germline. Affected: yes. Observed: 1 variant allele.
Comment: NRXN1: PM2, PP3